The following is an entry in ClinVar:

ClinVar aggregate classification (germline): Uncertain significance (1 of 4 stars; one submission).

Conditions:
SMO-related disorder. Also called: SMO-related condition.

Submission:

PreventionGenetics, part of Exact Sciences
Classification: Uncertain significance for SMO-related condition. Last evaluated: 2022-12-18. Review status: criteria provided, single submitter. Criteria: ACMG Guidelines, 2015. Collection method: clinical testing. Allele origin: germline.
Comment: The SMO c.1979A>G variant is predicted to result in the amino acid substitution p.Glu660Gly. To our knowledge, this variant has not been reported in the literature or in a large population database, indicating this variant is rare. At this time, the clinical significance of this variant is uncertain due to the absence of conclusive functional and genetic evidence.

NM_005631.5(SMO):c.1979A>G (p.Glu660Gly)

Gene: SMO (smoothened, frizzled class receptor; plus strand). Cytogenetic location: 7q32.1.
Variant type: single nucleotide variant.
Coding change: c.1979A>G on transcript NM_005631.5 (MANE Select); coding-DNA position 1979, A replaced by G.
Protein change: p.Glu660Gly; replaces glutamic acid 660 with glycine.
Molecular consequence: missense variant.
Genome position (GRCh38, 1-based): chr7:129,212,066, A>G. VCF-style: chr7-129212066-A-G. GRCh37 (hg19) VCF-style: chr7-128851907-A-G.
Other names: short protein forms E660G.
Identifiers: ClinVar variation 2630006 (VCV002630006.1), dbSNP rs1454093487, ClinGen allele CA369250301.